The following is an entry in ClinVar:

ClinVar aggregate classification (germline): Benign. Review status: criteria provided, multiple submitters, no conflicts (2 of 4 stars). 9 submissions from 8 submitters: Benign (9). Last evaluated 2026-02-03.

Conditions:
Autosomal recessive amelia. Identifiers: Orphanet 1027, MedGen C1832432, MONDO:0011054, OMIM 601360.
Coxopodopatellar syndrome. Also called: ISCHIOPATELLAR DYSPLASIA; Congenital coxa vara, patella aplasia and tarsal synostosis; SCOTT-TAOR SYNDROME; PATELLA APLASIA, COXA VARA, AND TARSAL SYNOSTOSIS; ISCHIOCOXOPODOPATELLAR SYNDROME; ISCHIOCOXOPODOPATELLAR SYNDROME WITH OR WITHOUT PULMONARY ARTERIAL HYPERTENSION. Identifiers: Orphanet 1509, MedGen C1840061, MONDO:0007841, OMIM 147891.

Allele frequency attached by ClinVar (database versions not stated): gnomAD exomes 0.27412 and 0.27476; ExAC 0.28020; gnomAD 0.31117 and 0.31194; ESP Exome Variant Server 0.31470; TOPMed 0.31549; 1000 Genomes Project 0.34784; 1000 Genomes Project 30x 0.35025.
gnomAD v4.1: 448,658 of 1,613,882 alleles (28%); highest among the groups gnomAD compares: African/African-American, 43%; 64,132 homozygotes.

Submissions (9):

Labcorp Genetics (formerly Invitae), Labcorp
Classification: Benign. Last evaluated: 2026-02-03. Review status: criteria provided, single submitter. Criteria: Invitae Variant Classification Sherloc (09022015). Collection method: clinical testing. Allele origin: germline.

Blueprint Genetics
Classification: Benign. Last evaluated: 2024-11-28. Review status: criteria provided, single submitter. Criteria: ACMG Guidelines, 2015. Collection method: clinical testing. Allele origin: germline.

Genome-Nilou Lab
Classification: Benign for Autosomal recessive amelia. Last evaluated: 2021-07-15. Review status: criteria provided, single submitter. Criteria: ACMG Guidelines, 2015. Collection method: clinical testing. Allele origin: germline. Affected: no.

Genome-Nilou Lab
Classification: Benign for Coxopodopatellar syndrome. Last evaluated: 2021-07-15. Review status: criteria provided, single submitter. Criteria: ACMG Guidelines, 2015. Collection method: clinical testing. Allele origin: germline. Affected: no.

GeneDx
Classification: Benign. Last evaluated: 2019-11-25. Review status: criteria provided, single submitter. Criteria: GeneDx Variant Classification Process June 2021. Collection method: clinical testing. Allele origin: germline. Affected: yes.

Illumina Laboratory Services, Illumina
Classification: Benign for Coxopodopatellar syndrome. Last evaluated: 2018-01-13. Review status: criteria provided, single submitter. Criteria: ICSL Variant Classification Criteria 13 December 2019. Collection method: clinical testing. Allele origin: germline.
Comment: This variant was observed in the ICSL laboratory as part of a predisposition screen in an ostensibly healthy population. It had not been previously curated by ICSL or reported in the Human Gene Mutation Database (HGMD: prior to June 1st, 2018), and was therefore a candidate for classification through an automated scoring system. Utilizing variant allele frequency, disease prevalence and penetrance estimates, and inheritance mode, an automated score was calculated to assess if this variant is too frequent to cause the disease. Based on the score and internal cut-off values, a variant classified as benign is not then subjected to further curation. The score for this variant resulted in a classification of benign for this disease.

Laboratory for Molecular Medicine, Mass General Brigham Personalized Medicine
Classification: Benign. Last evaluated: 2016-03-29. Review status: criteria provided, single submitter. Criteria: LMM Criteria. Collection method: clinical testing. Allele origin: germline.
Comment: Variant identified in a genome or exome case(s) and assessed due to predicted null impact of the variant or pathogenic assertions in the literature or databases. Disclaimer: This variant has not undergone full assessment. The following are preliminary notes: Frequency

Breakthrough Genomics
Classification: Benign. Review status: criteria provided, single submitter. Criteria: ACMG Guidelines, 2015. Collection method: not provided. Allele origin: germline. Inheritance: Autosomal recessive inheritance. Affected: yes.

PreventionGenetics, part of Exact Sciences
Classification: Benign. Review status: criteria provided, single submitter. Criteria: ACMG Guidelines, 2015. Collection method: clinical testing. Allele origin: germline.

NM_001321120.2(TBX4):c.402-8G>A

Gene: TBX4 (T-box transcription factor 4; plus strand). Cytogenetic location: 17q23.2.
Variant type: single nucleotide variant.
Coding change: c.402-8G>A on transcript NM_001321120.2 (MANE Select); 8 bases into the intron before coding-DNA position 402, G replaced by A.
Molecular consequence: intron variant.
Genome position (GRCh38, 1-based): chr17:61,467,502, G>A. VCF-style: chr17-61467502-G-A. GRCh37 (hg19) VCF-style: chr17-59544863-G-A.
Other names: c.402-8G>A (NM_018488.3).
Identifiers: ClinVar variation 261034 (VCV000261034.22), dbSNP rs758596, ClinGen allele CA8689821.